The following is an entry in ClinVar:

ClinVar aggregate classification (germline): Uncertain significance. Review status: criteria provided, multiple submitters, no conflicts (2 of 4 stars). 2 submissions from 2 submitters: Uncertain significance (2). Last evaluated 2026-08-01.

Conditions:
Polycystic kidney disease, adult type (PKD1). Also called: Polycystic Kidney Disease 1, Autosomal Dominant; Polycystic kidney disease 1; Polycystic kidney disease 1, severe; POLYCYSTIC KIDNEY DISEASE, ADULT, TYPE I; Polycystic Kidney, Autosomal Dominant; POLYCYSTIC KIDNEY DISEASE 1 WITH OR WITHOUT POLYCYSTIC LIVER DISEASE. Identifiers: MedGen C3149841, MONDO:0008263, OMIM 173900.

gnomAD v4.1: 56 of 1,551,738 alleles (0.0036%); highest among the groups gnomAD compares: Non-Finnish European, 0.0026%; no homozygotes.

Submissions (2):

CeGaT Center for Human Genetics Tuebingen
Classification: Uncertain significance. Last evaluated: 2026-08-01. Review status: criteria provided, single submitter. Criteria: CeGaT Center For Human Genetics Tuebingen Variant Classification Criteria Version 2. Collection method: clinical testing. Allele origin: germline. Affected: yes. Observed: 1 variant allele.
Comment: PKD1: PM2

Genomic Medicine Center of Excellence, King Faisal Specialist Hospital and Research Centre
Classification: Uncertain significance for Polycystic kidney disease, adult type. Last evaluated: 2024-09-22. Review status: criteria provided, single submitter. Criteria: ACMG Guidelines, 2015. Collection method: clinical testing. Allele origin: germline.

NM_001009944.3(PKD1):c.9148G>A (p.Ala3050Thr)

Gene: PKD1 (polycystin 1, transient receptor potential channel interacting; minus strand). Cytogenetic location: 16p13.3.
Variant type: single nucleotide variant.
Coding change: c.9148G>A on transcript NM_001009944.3 (MANE Select); coding-DNA position 9148, G replaced by A.
Protein change: p.Ala3050Thr; replaces alanine 3050 with threonine.
Molecular consequence: missense variant.
Genome position (GRCh38, 1-based): chr16:2,102,434, C>T on the plus strand (G>A on the coding strand, the complement: PKD1 is on the minus strand). VCF-style: chr16-2102434-C-T. GRCh37 (hg19) VCF-style: chr16-2152435-C-T.
Other names: c.9148G>A, p.Ala3050Thr (NM_000296.4); short protein forms A3050T.
Identifiers: ClinVar variation 3362764 (VCV003362764.2).